The following is an entry in ClinVar:

NM_005120.3(MED12):c.5345G>A (p.Arg1782His)

Gene: MED12 (mediator complex subunit 12; plus strand). Cytogenetic location: Xq13.1.
Variant type: single nucleotide variant.
Coding change: c.5345G>A on transcript NM_005120.3 (MANE Select); coding-DNA position 5345, G replaced by A.
Protein change: p.Arg1782His; replaces arginine 1782 with histidine.
Molecular consequence: missense variant.
Genome position (GRCh38, 1-based): chrX:71,136,600, G>A. VCF-style: chrX-71136600-G-A. GRCh37 (hg19) VCF-style: chrX-70356450-G-A.
Other names: short protein forms R1782H.
Identifiers: ClinVar variation 408879 (VCV000408879.7), dbSNP rs1060502167, ClinGen allele CA16616531.
Genomic context (GRCh38, chrX:71,136,600, plus strand): 5'-AGGCTCCAGAGCCCCCCAAAACTGACAAACCGGGGGCTGCTCCACCCAGTACTGAGGAAC[G>A]CAAGAAGAAGTCCACCAAGGGCAAGAAACGCAGCCAGCCAGCTACCAAGACAGAGGTGAG-3'
Protein context (NP_005111.2, residues 1772-1792): PGAAPPSTEE[Arg1782His]KKKSTKGKKR

ClinVar aggregate classification (germline): Uncertain significance (1 of 4 stars; one submission).

Conditions:
FG syndrome (FGS). Identifiers: MedGen C0220769, MONDO:0002010.

Submission:

Labcorp Genetics (formerly Invitae), Labcorp
Classification: Uncertain significance for FG syndrome. Last evaluated: 2025-04-11. Review status: criteria provided, single submitter. Criteria: Invitae Variant Classification Sherloc (09022015). Collection method: clinical testing. Allele origin: germline.
Comment: This sequence change replaces arginine, which is basic and polar, with histidine, which is basic and polar, at codon 1782 of the MED12 protein (p.Arg1782His). This variant is not present in population databases (gnomAD no frequency). This variant has not been reported in the literature in individuals affected with MED12-related conditions. ClinVar contains an entry for this variant (Variation ID: 408879). Invitae Evidence Modeling of protein sequence and biophysical properties (such as structural, functional, and spatial information, amino acid conservation, physicochemical variation, residue mobility, and thermodynamic stability) indicates that this missense variant is not expected to disrupt MED12 protein function with a negative predictive value of 95%. In summary, the available evidence is currently insufficient to determine the role of this variant in disease. Therefore, it has been classified as a Variant of Uncertain Significance.